The following is an entry in ClinVar:

NM_001164277.2(SLC37A4):c.744G>T (p.Gln248His)

Gene: SLC37A4 (solute carrier family 37 member 4; minus strand). Cytogenetic location: 11q23.3.
Variant type: single nucleotide variant.
Coding change: c.744G>T on transcript NM_001164277.2 (MANE Select); coding-DNA position 744, G replaced by T.
Protein change: p.Gln248His; replaces glutamine 248 with histidine.
Molecular consequence: missense variant.
Genome position (GRCh38, 1-based): chr11:119,026,977, C>A on the plus strand (G>T on the coding strand, the complement: SLC37A4 is on the minus strand). VCF-style: chr11-119026977-C-A. GRCh37 (hg19) VCF-style: chr11-118897687-C-A.
Other names: c.744G>T, p.Gln248His (NM_001164278.2, NM_001164280.2, NM_001467.6); c.525G>T, p.Gln175His (NM_001164279.2); short protein forms Q175H, Q248H.
Identifiers: ClinVar variation 2091145 (VCV002091145.4), dbSNP rs2497023199, ClinGen allele CA382901042.

ClinVar aggregate classification (germline): Uncertain significance (1 of 4 stars; one submission).

Conditions:
Glucose-6-phosphate transport defect (GSD1B). Also called: GSD Ib; Glycogen Storage Disease Type Ib. Identifiers: Orphanet 364, Orphanet 79259, MedGen C0268146, MONDO:0009288, OMIM 232220.

Submission:

Labcorp Genetics (formerly Invitae), Labcorp
Classification: Uncertain significance for Glucose-6-phosphate transport defect. Last evaluated: 2025-02-23. Review status: criteria provided, single submitter. Criteria: Invitae Variant Classification Sherloc (09022015). Collection method: clinical testing. Allele origin: germline.
Comment: This sequence change replaces glutamine, which is neutral and polar, with histidine, which is basic and polar, at codon 248 of the SLC37A4 protein (p.Gln248His). This variant is not present in population databases (gnomAD no frequency). This variant has not been reported in the literature in individuals affected with SLC37A4-related conditions. ClinVar contains an entry for this variant (Variation ID: 2091145). Invitae Evidence Modeling of protein sequence and biophysical properties (such as structural, functional, and spatial information, amino acid conservation, physicochemical variation, residue mobility, and thermodynamic stability) indicates that this missense variant is not expected to disrupt SLC37A4 protein function with a negative predictive value of 80%. In summary, the available evidence is currently insufficient to determine the role of this variant in disease. Therefore, it has been classified as a Variant of Uncertain Significance.